The following is an entry in ClinVar:

ClinVar aggregate classification (germline): Uncertain significance (1 of 4 stars; one submission).

Allele frequency attached by ClinVar (database versions not stated): TOPMed 0.00002; gnomAD 0.00003; ESP Exome Variant Server 0.00008; gnomAD exomes 0.00008; ExAC 0.00010.

Submission:

Labcorp Genetics (formerly Invitae), Labcorp
Classification: Uncertain significance for Combined immunodeficiency due to DOCK8 deficiency. Last evaluated: 2024-07-02. Review status: criteria provided, single submitter. Criteria: Invitae Variant Classification Sherloc (09022015). Collection method: clinical testing. Allele origin: germline.
Comment: This sequence change replaces arginine, which is basic and polar, with tryptophan, which is neutral and slightly polar, at codon 899 of the DOCK8 protein (p.Arg899Trp). This variant is present in population databases (rs371022243, gnomAD 0.03%). This variant has not been reported in the literature in individuals affected with DOCK8-related conditions. ClinVar contains an entry for this variant (Variation ID: 1007570). Advanced modeling of protein sequence and biophysical properties (such as structural, functional, and spatial information, amino acid conservation, physicochemical variation, residue mobility, and thermodynamic stability) performed at Invitae indicates that this missense variant is expected to disrupt DOCK8 protein function with a positive predictive value of 80%. In summary, the available evidence is currently insufficient to determine the role of this variant in disease. Therefore, it has been classified as a Variant of Uncertain Significance.

NM_203447.4(DOCK8):c.2695C>T (p.Arg899Trp)

Gene: DOCK8 (dedicator of cytokinesis 8; plus strand). Cytogenetic location: 9p24.3.
Variant type: single nucleotide variant.
Coding change: c.2695C>T on transcript NM_203447.4 (MANE Select); coding-DNA position 2695, C replaced by T.
Protein change: p.Arg899Trp; replaces arginine 899 with tryptophan.
Molecular consequence: missense variant.
Genome position (GRCh38, 1-based): chr9:382,602, C>T. VCF-style: chr9-382602-C-T. GRCh37 (hg19) VCF-style: chr9-382602-C-T.
Other names: c.2491C>T, p.Arg831Trp (NM_001190458.2, NM_001193536.2); short protein forms R831W, R899W.
Identifiers: ClinVar variation 1007570 (VCV001007570.8), dbSNP rs371022243, ClinGen allele CA4958283.
Genomic context (GRCh38, chr9:382,602, plus strand): 5'-AGCTACCACACGTATGGCCGCACATCAGCTGCTGCTGTGAGTTCAAAGCTGCTGCAGGCC[C>T]GGGTGATGAGCAGCAGTAACCCAGACCTCGCGGGGACACACTCCGCAGCAGACGAGGAAG-3'
Protein context (NP_982272.2, residues 889-909): AAVSSKLLQA[Arg899Trp]VMSSSNPDLA